The following is an entry in ClinVar:

ClinVar aggregate classification (germline): Uncertain significance (1 of 4 stars; one submission).

Conditions:
Fanconi anemia (FA). Also called: Fanconi's anemia. Identifiers: Orphanet 84, MedGen C0015625, MeSH D005199, MONDO:0019391.

gnomAD v4.1: 2 of 1,613,900 alleles (0.00012%); highest among the groups gnomAD compares: South Asian, 0.0011%; no homozygotes.

Submission:

Labcorp Genetics (formerly Invitae), Labcorp
Classification: Uncertain significance for Fanconi anemia. Last evaluated: 2025-07-27. Review status: criteria provided, single submitter. Criteria: Invitae Variant Classification Sherloc (09022015). Collection method: clinical testing. Allele origin: germline.
Comment: This sequence change replaces glutamic acid, which is acidic and polar, with lysine, which is basic and polar, at codon 154 of the FANCI protein (p.Glu154Lys). This variant is not present in population databases (gnomAD no frequency). This variant has not been reported in the literature in individuals affected with FANCI-related conditions. Invitae Evidence Modeling of protein sequence and biophysical properties (such as structural, functional, and spatial information, amino acid conservation, physicochemical variation, residue mobility, and thermodynamic stability) indicates that this missense variant is expected to disrupt FANCI protein function with a positive predictive value of 80%. In summary, the available evidence is currently insufficient to determine the role of this variant in disease. Therefore, it has been classified as a Variant of Uncertain Significance.

NM_001113378.2(FANCI):c.460G>A (p.Glu154Lys)

Gene: FANCI (FA complementation group I; plus strand). Cytogenetic location: 15q26.1.
Variant type: single nucleotide variant.
Coding change: c.460G>A on transcript NM_001113378.2 (MANE Select); coding-DNA position 460, G replaced by A.
Protein change: p.Glu154Lys; replaces glutamic acid 154 with lysine.
Molecular consequence: missense variant.
Genome position (GRCh38, 1-based): chr15:89,261,835, G>A. VCF-style: chr15-89261835-G-A. GRCh37 (hg19) VCF-style: chr15-89805066-G-A.
Other names: c.181G>A, p.Glu61Lys (NM_001376910.1); c.460G>A, p.Glu154Lys (NM_001376911.1, NM_018193.3); short protein forms E61K, E154K.
Identifiers: ClinVar variation 4741353 (VCV004741353.1).